The following is an entry in ClinVar:

ClinVar aggregate classification (germline): Likely pathogenic. Review status: criteria provided, multiple submitters, no conflicts (2 of 4 stars). 2 submissions from 2 submitters: Likely pathogenic (2). Last evaluated 2025-02-26.

Conditions:
Glycogen storage disease type III (GSD3). Also called: Cori disease; FORBES DISEASE. Identifiers: Orphanet 366, MedGen C0017922, MONDO:0009291, OMIM 232400.

Submissions (2):

Natera, Inc.
Classification: Likely pathogenic for Glycogen storage disease type III. Last evaluated: 2025-02-26. Review status: criteria provided, single submitter. Criteria: Natera Variant Classification Schema (03/2026). Collection method: clinical testing. Allele origin: germline.
Comment: The c.4249_4250del variant in AGL is a frameshift variant predicted to shift the reading frame beginning at codon 1417 and leads to a stop codon 4 codons downstream. This variant is expected to result in nonsense mediated decay, truncation, or a dysfunctional protein product. This variant is rare in the general population with a frequency below the threshold expected for the associated phenotype(s). Given the available evidence, this variant is classified as Likely Pathogenic.

Greenwood Genetic Center Diagnostic Laboratories, Greenwood Genetic Center
Classification: Likely pathogenic for Glycogen storage disease type III. Last evaluated: 2023-01-03. Review status: criteria provided, single submitter. Criteria: ACMG Guidelines, 2015. Collection method: clinical testing. Allele origin: germline. Affected: yes.
Comment: PVS1, PM2

NM_000642.3(AGL):c.4249_4250del (p.Leu1417fs)

Gene: AGL (amylo-alpha-1,6-glucosidase and 4-alpha-glucanotransferase; plus strand). Cytogenetic location: 1p21.2.
Variant type: Deletion.
Coding change: c.4249_4250del on transcript NM_000642.3 (MANE Select); coding-DNA positions 4249 to 4250, 2 bases deleted (TT; older notation c.4249_4250delTT).
Protein change: p.Leu1417fs; shifts the reading frame from leucine 1417.
Molecular consequence: frameshift variant.
Genome position (GRCh38, 1-based): chr1:99,915,476-99,915,477, TT deleted; deleting any 2 consecutive bases within chr1:99,915,475-99,915,477 gives the same sequence; the c. name uses the placement nearest the transcript's 3' end. VCF-style (leftmost placement, unchanged base first): chr1-99915474-CTT-C. GRCh37 (hg19) VCF-style: chr1-100381030-CTT-C.
Other names: c.4249_4250delTT, p.Leu1417Argfs (NM_000028.3, NM_000643.3, NM_000644.3 and 1 more transcripts); c.4201_4202delTT, p.Leu1401Argfs (NM_000646.3); c.4228_4229delTT, p.Leu1410Argfs (NM_001425326.1); c.4048_4049delTT, p.Leu1350Argfs (NM_001425327.1); c.4045_4046delTT, p.Leu1349Argfs (NM_001425328.1); c.3910_3911delTT, p.Leu1304Argfs (NM_001425329.1); c.3871_3872delTT, p.Leu1291Argfs (NM_001425332.1); c.4249_4250del (NM_000642.2); short protein forms L1401fs, L1417fs.
Identifiers: ClinVar variation 2505225 (VCV002505225.3), dbSNP rs2523847062, ClinGen allele CA2574444924.
Genomic context (GRCh38, chr1:99,915,474, plus strand): 5'-AAGCATGGAAAGCTTTGGAGATTGCAGAAAAAAAATTGCTTGGTCCCCTTGGCATGAAAA[CTT>C]TAGATCCAGAGTAAGTTGGAATATAAGTATTAAGAATGTTATCATATTTAATCCAAATAC-3'